The following is an entry in ClinVar:

NM_002834.5(PTPN11):c.124A>G (p.Thr42Ala)

Gene: PTPN11 (protein tyrosine phosphatase non-receptor type 11; plus strand). Cytogenetic location: 12q24.13.
Variant type: single nucleotide variant.
Coding change: c.124A>G on transcript NM_002834.5 (MANE Select); coding-DNA position 124, A replaced by G.
Protein change: p.Thr42Ala; replaces threonine 42 with alanine.
Molecular consequence: missense variant.
Genome position (GRCh38, 1-based): chr12:112,446,385, A>G. VCF-style: chr12-112446385-A-G. GRCh37 (hg19) VCF-style: chr12-112884189-A-G.
Other names: p.T42A:ACA>GCA; c.124A>G (NM_002834.4, NM_001330437.1); c.124A>G, p.Thr42Ala (NM_001330437.2, NM_001374625.1, NM_080601.3); short protein forms T42A.
Identifiers: ClinVar variation 40482 (VCV000040482.47), dbSNP rs397507501, ClinGen allele CA235307.

ClinVar aggregate classification (germline): Pathogenic. Review status: criteria provided, multiple submitters, no conflicts (2 of 4 stars). 22 submissions from 22 submitters: Pathogenic (19). 3 of the submissions do not count toward it. Last evaluated 2026-06-03.
ClinVar aggregate classification (somatic clinical impact): Tier II - Potential (1 of 4 stars; one submission).

Conditions:
Cardiovascular phenotype. Identifiers: MedGen CN230736.
PTPN11-related disorder. Also called: PTPN11-Related Disorders.
Noonan syndrome and Noonan-related syndrome. Identifiers: Orphanet 98733, MedGen C5681679, MONDO:0020297.
Noonan syndrome 1 (NS1). Also called: FEMALE PSEUDO-TURNER SYNDROME; TURNER PHENOTYPE WITH NORMAL KARYOTYPE; PTPN11-Related Noonan Syndrome. Identifiers: Orphanet 648, MedGen C4551602, MONDO:0008104, OMIM 163950. Disease mechanism: gain of function.
LEOPARD syndrome 1 (LPRD1). Also called: LENTIGINOSIS, CARDIOMYOPATHIC; MULTIPLE LENTIGINES SYNDROME; PTPN11-Related LEOPARD Syndrome. Identifiers: Orphanet 500, MedGen C4551484, MONDO:0100082, OMIM 151100.
Juvenile myelomonocytic leukemia (JMML). Also called: LEUKEMIA, JUVENILE MYELOMONOCYTIC, SOMATIC. Identifiers: Orphanet 86834, MedGen C0349639, MONDO:0011908, OMIM 607785, HP:0012209.
Metachondromatosis (METCDS). Identifiers: Orphanet 2499, MedGen C0410530, MONDO:0007979, OMIM 156250.
RASopathy. Also called: rasopathies; Noonan spectrum disorder. Identifiers: Orphanet 536391, MedGen C5555857, MONDO:0021060.
Noonan syndrome (NS). Also called: Noonan's syndrome. Identifiers: Orphanet 648, MedGen C0028326, MeSH D009634, MONDO:0018997. Disease mechanism: gain of function.
Diffuse midline glioma, H3 K27M-mutant. Identifiers: MedGen C4289688, MONDO:0957196.

Submissions 1 to 10 of 23:

Victorian Clinical Genetics Services, Murdoch Childrens Research Institute
Classification: Pathogenic for Noonan syndrome 1. Last evaluated: 2026-06-03. Review status: criteria provided, single submitter. Criteria: ACMG Guidelines, 2015. Collection method: clinical testing. Allele origin: germline. Affected: yes.
Comment: This variant is classified as Pathogenic. Evidence in support of pathogenic classification: Variant is absent from gnomAD (v2, v3 and v4); This variant has strong previous evidence of pathogenicity in unrelated individuals. This variant has been classified as pathogenic by clinical laboratories in ClinVar; Missense variant predicted to be damaging by in silico tool(s) or highly conserved with a major amino acid change; Additional information: Variant is predicted to result in a missense amino acid change from Thr to Ala; This variant is heterozygous; This gene is associated with autosomal dominant disease; Variant is located in the annotated SH2 domain (DECIPHER). - Both loss of function and gain of function are known mechanisms of disease for this gene. Metachondromatosis (MIM#156250) and Noonan syndrome with multiple lentigines (MIM#151100) have been associated with loss of function variants, whereas Noonan syndrome 1 (MIM#163950) is caused by gain of function variants (PMIDs: 11992261, 24935154, 21533187; ClinGen expert panel).

Genesolutions, Medical Genetics Institutes, Ho Chi Minh City, Vietnam
Classification: Pathogenic for Noonan syndrome 1. Last evaluated: 2025-09-24. Review status: criteria provided, single submitter. Criteria: ACMG Guidelines, 2015. Collection method: clinical testing. Allele origin: germline. Affected: yes.

Genomic Medicine Center of Excellence, King Faisal Specialist Hospital and Research Centre
Classification: Pathogenic for Noonan syndrome 1. Last evaluated: 2025-09-10. Review status: criteria provided, single submitter. Criteria: ACMG Guidelines, 2015. Collection method: clinical testing. Allele origin: germline.

Ambry Genetics
Classification: Pathogenic for Cardiovascular phenotype. Last evaluated: 2025-05-07. Review status: criteria provided, single submitter. Criteria: Ambry Variant Classification Scheme 2023. Collection method: clinical testing. Allele origin: germline.
Comment: The p.T42A pathogenic mutation (also known as c.124A>G), located in coding exon 2 of the PTPN11 gene, results from an A to G substitution at nucleotide position 124. The threonine at codon 42 is replaced by alanine, an amino acid with similar properties. This variant was reported in individual(s) with features consistent with Noonan syndrome; in at least one individual, it was determined to be de novo (Tartaglia M et al. Am. J. Hum. Genet., 2002 Jun;70:1555-63; Sarkozy A et al. J. Med. Genet., 2003 Sep;40:704-8; Zenker M et al. J. Pediatr., 2004 Mar;144:368-74; Lee ST et al. Clin. Genet., 2007 Aug;72:150-5; van Nierop JWI et al. Int. J. Pediatr. Otorhinolaryngol., 2017 Jun;97:228-234). In an assay testing PTPN11 function, this variant showed a functionally abnormal result (Martinelli S et al. Hum. Mol. Genet., 2008 Jul;17:2018-29). This amino acid position is highly conserved in available vertebrate species. In addition, this alteration is predicted to be deleterious by in silico analysis. This variant is considered to be rare based on population cohorts in the Genome Aggregation Database (gnomAD). Based on the supporting evidence, this variant is interpreted as a disease-causing mutation for PTPN11-related RASopathy; however, it is unlikely to be causative of metachondromatosis.

Labcorp Genetics (formerly Invitae), Labcorp
Classification: Pathogenic for RASopathy. Last evaluated: 2025-03-23. Review status: criteria provided, single submitter. Criteria: Invitae Variant Classification Sherloc (09022015). Collection method: clinical testing. Allele origin: germline.
Comment: This sequence change replaces threonine, which is neutral and polar, with alanine, which is neutral and non-polar, at codon 42 of the PTPN11 protein (p.Thr42Ala). This variant is not present in population databases (gnomAD no frequency). This missense change has been observed in individuals with Noonan syndrome (PMID: 15001945, 16358218, 17661820, 21590266, 22781091). ClinVar contains an entry for this variant (Variation ID: 40482). Invitae Evidence Modeling incorporating data from in vitro experimental studies (internal data) indicates that this missense variant is expected to disrupt PTPN11 function with a positive predictive value of 95%. Experimental studies have shown that this missense change affects PTPN11 function (PMID: 15987685, 18372317, 23584145). For these reasons, this variant has been classified as Pathogenic.

Daryl Scott Lab, Baylor College of Medicine
Classification: Pathogenic for PTPN11-related disorder. Last evaluated: 2024-01-01. Review status: criteria provided, single submitter. Criteria: ACMG Guidelines, 2015. Collection method: clinical testing. Allele origin: de novo. Affected: yes. Observed: 1 heterozygote.
Comment: PS2, PS4, PM2, PP3

Institute for Genomic Medicine (IGM) Clinical Laboratory, Nationwide Children's Hospital
Classification: Tier II - Potential for Diffuse midline glioma, H3 K27M-mutant. Assertion type: diagnostic. Clinical significance: supports diagnosis. Last evaluated: 2023-01-05. Review status: criteria provided, single submitter. Criteria: AMP/ASCO/CAP Guidelines, 2017. Collection method: clinical testing. Allele origin: somatic. Affected: yes.
Comment: Variant has Tier II (potential) clinical significance as a diagnostic inclusion criterion in diffuse midline glioma, H3 K27M-mutant, based on the following evidence: 1) Documented in one or more cancer databases (e.g., St. Jude Pecan, COSMIC, CIViC, OncoKB). 2) Information in the literature supports potential biologic effect of variant (PMIDs: 18372317, 15987685). 3) Diagnostic significance based on multiple small studies (Evidence Level C; PMIDs: 28966033, 29763623, 28912153, 35697228).

Institute for Medical Genetics and Human Genetics, Charité - Universitätsmedizin Berlin
Classification: Pathogenic for Noonan syndrome 1. Last evaluated: 2022-09-27. Review status: criteria provided, single submitter. Criteria: ACMG Guidelines, 2015. Collection method: clinical testing. Allele origin: germline. Inheritance: Autosomal dominant inheritance. Affected: yes. Observed: 1 heterozygote.

GeneDx
Classification: Pathogenic. Last evaluated: 2022-06-21. Review status: criteria provided, single submitter. Criteria: GeneDx Variant Classification Process June 2021. Collection method: clinical testing. Allele origin: germline. Affected: yes.
Comment: Published functional studies demonstrate a significant increase in phosphopeptide binding affinity without greatly altering binding specificity or secondary structure of the domain (Keilhack et al., 2005; Muller et al., 2013); Not observed at significant frequency in large population cohorts (gnomAD); The majority of missense variants in this gene are considered pathogenic (HGMD); In silico analysis supports that this missense variant has a deleterious effect on protein structure/function; This variant is associated with the following publications: (PMID: 16358218, 30417923, 30050098, 18372317, 23584145, 15987685, 25425531, 24803665, 21590266, 17661820, 28483241, 11992261, 22781091, 29988639, 29907801, 31219622, 31560489, 32164556, 31936901, 32668055, 29493581, 33258288, 32786180)

Clinical Genetics Laboratory, Skane University Hospital Lund
Classification: Pathogenic. Last evaluated: 2022-05-27. Review status: criteria provided, single submitter. Criteria: ACMG Guidelines, 2015. Collection method: clinical testing. Allele origin: germline. Affected: yes.